The following is an entry in ClinVar:

NM_000243.3(MEFV):c.881G>T (p.Gly294Val)

Gene: MEFV (MEFV innate immunity regulator, pyrin; minus strand). Cytogenetic location: 16p13.3.
Variant type: single nucleotide variant.
Coding change: c.881G>T on transcript NM_000243.3 (MANE Select); coding-DNA position 881, G replaced by T.
Protein change: p.Gly294Val; replaces glycine 294 with valine.
Molecular consequence: missense variant. On other transcripts: intron variant (1).
Genome position (GRCh38, 1-based): chr16:3,254,187, C>A on the plus strand (G>T on the coding strand, the complement: MEFV is on the minus strand). VCF-style: chr16-3254187-C-A. GRCh37 (hg19) VCF-style: chr16-3304187-C-A.
Other names: c.277+2124G>T (NM_001198536.2); short protein forms G294V.
Identifiers: ClinVar variation 952083 (VCV000952083.7), dbSNP rs1959077891, ClinGen allele CA394476582.

ClinVar aggregate classification (germline): Uncertain significance (1 of 4 stars; one submission).

Conditions:
Familial Mediterranean fever (FMF). Also called: POLYSEROSITIS, FAMILIAL PAROXYSMAL; POLYSEROSITIS, RECURRENT; Periodic peritonitis; Benign paroxysmal peritonitis. Identifiers: Orphanet 342, MedGen C0031069, MONDO:0018088, OMIM 249100. Disease mechanism: gain of function.

gnomAD v4.1: 2 of 1,614,232 alleles (0.00012%); highest among the groups gnomAD compares: Non-Finnish European, 0.00017%; no homozygotes.

Submission:

Labcorp Genetics (formerly Invitae), Labcorp
Classification: Uncertain significance for Familial Mediterranean fever. Last evaluated: 2019-07-31. Review status: criteria provided, single submitter. Criteria: Invitae Variant Classification Sherloc (09022015). Collection method: clinical testing. Allele origin: germline.
Comment: In summary, the available evidence is currently insufficient to determine the role of this variant in disease. Therefore, it has been classified as a Variant of Uncertain Significance. Algorithms developed to predict the effect of missense changes on protein structure and function are either unavailable or do not agree on the potential impact of this missense change (SIFT: "Deleterious"; PolyPhen-2: "Possibly Damaging"; Align-GVGD: "Class C0"). This variant has not been reported in the literature in individuals with MEFV-related conditions. This variant is not present in population databases (ExAC no frequency). This sequence change replaces glycine with valine at codon 294 of the MEFV protein (p.Gly294Val). The glycine residue is moderately conserved and there is a moderate physicochemical difference between glycine and valine.